The following is an entry in ClinVar:

NM_006446.5(SLCO1B1):c.571T>C (p.Leu191=)

Gene: SLCO1B1 (solute carrier organic anion transporter family member 1B1; plus strand). Cytogenetic location: 12p12.1.
Variant type: single nucleotide variant.
Coding change: c.571T>C on transcript NM_006446.5 (MANE Select); coding-DNA position 571, T replaced by C.
Protein change: p.Leu191=; no amino-acid change (leucine 191 retained).
Molecular consequence: synonymous variant.
Genome position (GRCh38, 1-based): chr12:21,178,665, T>C. VCF-style: chr12-21178665-T-C. GRCh37 (hg19) VCF-style: chr12-21331599-T-C.
Other names: c.571T>C (LRG_1022t1).
Identifiers: ClinVar variation 259984 (VCV000259984.29), dbSNP rs4149057, ClinGen allele CA6476734.

ClinVar aggregate classification (germline): Benign. Review status: criteria provided, multiple submitters, no conflicts (2 of 4 stars). 9 submissions from 9 submitters: Benign (5). 4 of the submissions do not count toward it. Last evaluated 2025-07-31.

Conditions:
SLCO1B1-related disorder. Also called: SLCO1B1-related condition.
Rotor syndrome (HBLRR). Also called: HYPERBILIRUBINEMIA, ROTOR TYPE, DIGENIC; HYPERBILIRUBINEMIA, ROTOR TYPE. Identifiers: Orphanet 3111, MedGen C0220991, MONDO:0009379, OMIM 237450.

Allele frequency attached by ClinVar (database versions not stated): 1000 Genomes Project 0.36741; 1000 Genomes Project 30x 0.37211; TOPMed 0.46021; gnomAD 0.46746 and 0.46847; ESP Exome Variant Server 0.48808; ExAC 0.52605; gnomAD exomes 0.53017 and 0.58971.
gnomAD v4.1: 925,968 of 1,605,080 alleles (58%); highest among the groups gnomAD compares: Non-Finnish European, 62%; 277,485 homozygotes.

Submissions (9):

ARUP Laboratories, Molecular Genetics and Genomics, ARUP Laboratories
Classification: Benign for Rotor syndrome. Last evaluated: 2025-07-31. Review status: criteria provided, single submitter. Criteria: ARUP Molecular Germline Variant Investigation Process 2024. Collection method: clinical testing. Allele origin: germline.

Genome-Nilou Lab
Classification: Benign for Rotor syndrome. Last evaluated: 2021-07-15. Review status: criteria provided, single submitter. Criteria: ACMG Guidelines, 2015. Collection method: clinical testing. Allele origin: germline. Affected: no.

GeneDx
Classification: Benign. Last evaluated: 2021-05-04. Review status: criteria provided, single submitter. Criteria: GeneDx Variant Classification Process June 2021. Collection method: clinical testing. Allele origin: germline. Affected: yes.

Illumina Laboratory Services, Illumina
Classification: Benign for Rotor syndrome. Last evaluated: 2018-01-12. Review status: criteria provided, single submitter. Criteria: ICSL Variant Classification Criteria 13 December 2019. Collection method: clinical testing. Allele origin: germline.
Comment: This variant was observed in the ICSL laboratory as part of a predisposition screen in an ostensibly healthy population. It had not been previously curated by ICSL or reported in the Human Gene Mutation Database (HGMD: prior to June 1st, 2018), and was therefore a candidate for classification through an automated scoring system. Utilizing variant allele frequency, disease prevalence and penetrance estimates, and inheritance mode, an automated score was calculated to assess if this variant is too frequent to cause the disease. Based on the score and internal cut-off values, a variant classified as benign is not then subjected to further curation. The score for this variant resulted in a classification of benign for this disease.

Breakthrough Genomics
Classification: Benign. Review status: criteria provided, single submitter. Criteria: ACMG Guidelines, 2015. Collection method: not provided. Allele origin: germline. Inheritance: Autosomal recessive inheritance. Affected: yes.

PreventionGenetics, part of Exact Sciences
Classification: Likely benign for SLCO1B1-related condition. Last evaluated: 2021-07-21. Review status: no assertion criteria provided. Collection method: clinical testing. Allele origin: germline. Not counted in ClinVar's aggregate classification.
Comment: This variant is classified as likely benign based on ACMG/AMP sequence variant interpretation guidelines (Richards et al. 2015 PMID: 25741868, with internal and published modifications).

Clinical Genetics, Academic Medical Center
Classification: Benign. Review status: no assertion criteria provided. Collection method: clinical testing. Allele origin: germline. Affected: yes. Study: VKGL Data-share Consensus. Not counted in ClinVar's aggregate classification.

Diagnostic Laboratory, Department of Genetics, University Medical Center Groningen
Classification: Benign for Rotor syndrome. Review status: no assertion criteria provided. Collection method: clinical testing. Allele origin: germline. Affected: yes. Study: VKGL Data-share Consensus. Not counted in ClinVar's aggregate classification.

Joint Genome Diagnostic Labs from Nijmegen and Maastricht, Radboudumc and MUMC+
Classification: Benign. Review status: no assertion criteria provided. Collection method: clinical testing. Allele origin: germline. Affected: yes. Study: VKGL Data-share Consensus. Not counted in ClinVar's aggregate classification.